The following is an entry in ClinVar:

NM_003480.4(MFAP5):c.419G>A (p.Cys140Tyr)

Genes: MFAP5 (microfibril associated protein 5; minus strand), LOC126861443 (BRD4-independent group 4 enhancer GRCh37_chr12:8800473-8801672; plus strand). Cytogenetic location: 12p13.31.
Variant type: single nucleotide variant.
Coding change: c.419G>A on transcript NM_003480.4 (MANE Select); coding-DNA position 419, G replaced by A.
Protein change: p.Cys140Tyr; replaces cysteine 140 with tyrosine.
Molecular consequence: missense variant. On other transcripts: non-coding transcript variant (2).
Genome position (GRCh38, 1-based): chr12:8,648,194, C>T on the plus strand (G>A on the coding strand, the complement: MFAP5 is on the minus strand). VCF-style: chr12-8648194-C-T. GRCh37 (hg19) VCF-style: chr12-8800790-C-T.
Other names: c.389G>A, p.Cys130Tyr (NM_001297709.2); c.353G>A, p.Cys118Tyr (NM_001297710.2); c.344G>A, p.Cys115Tyr (NM_001297711.2); c.227G>A, p.Cys76Tyr (NM_001297712.2); short protein forms C140Y, C76Y, C115Y, C118Y, C130Y.
Identifiers: ClinVar variation 2868595 (VCV002868595.3), dbSNP rs1941736744, ClinGen allele CA384038783.

ClinVar aggregate classification (germline): Uncertain significance (1 of 4 stars; one submission).

Submission:

Labcorp Genetics (formerly Invitae), Labcorp
Classification: Uncertain significance. Last evaluated: 2023-02-22. Review status: criteria provided, single submitter. Criteria: Invitae Variant Classification Sherloc (09022015). Collection method: clinical testing. Allele origin: germline.
Comment: In summary, the available evidence is currently insufficient to determine the role of this variant in disease. Therefore, it has been classified as a Variant of Uncertain Significance. An algorithm developed to predict the effect of missense changes on protein structure and function (PolyPhen-2) suggests that this variant is likely to be disruptive. This variant has not been reported in the literature in individuals affected with MFAP5-related conditions. This variant is not present in population databases (gnomAD no frequency). This sequence change replaces cysteine, which is neutral and slightly polar, with tyrosine, which is neutral and polar, at codon 140 of the MFAP5 protein (p.Cys140Tyr).